The following is an entry in ClinVar:

ClinVar aggregate classification (germline): Uncertain significance (1 of 4 stars; one submission).

Submission:

Labcorp Genetics (formerly Invitae), Labcorp
Classification: Uncertain significance. Last evaluated: 2018-02-12. Review status: criteria provided, single submitter. Criteria: Invitae Variant Classification Sherloc (09022015). Collection method: clinical testing. Allele origin: germline.
Comment: In summary, the available evidence is currently insufficient to determine the role of this variant in disease. Therefore, it has been classified as a Variant of Uncertain Significance. Algorithms developed to predict the effect of missense changes on protein structure and function do not agree on the potential impact of this missense change (SIFT: "Deleterious"; PolyPhen-2: "Probably Damaging"; Align-GVGD: "Class C0"). This variant has not been reported in the literature in individuals with POLE-related disease. This variant is not present in population databases (ExAC no frequency). This sequence change replaces lysine with glutamic acid at codon 472 of the POLE protein (p.Lys472Glu). The lysine residue is highly conserved and there is a small physicochemical difference between lysine and glutamic acid.

NM_006231.4(POLE):c.1414A>G (p.Lys472Glu)

Gene: POLE (DNA polymerase epsilon, catalytic subunit; minus strand). Cytogenetic location: 12q24.33.
Variant type: single nucleotide variant.
Coding change: c.1414A>G on transcript NM_006231.4 (MANE Select); coding-DNA position 1414, A replaced by G.
Protein change: p.Lys472Glu; replaces lysine 472 with glutamic acid.
Molecular consequence: missense variant.
Genome position (GRCh38, 1-based): chr12:132,673,223, T>C on the plus strand (A>G on the coding strand, the complement: POLE is on the minus strand). VCF-style: chr12-132673223-T-C. GRCh37 (hg19) VCF-style: chr12-133249809-T-C.
Other names: short protein forms K472E.
Identifiers: ClinVar variation 576762 (VCV000576762.8), dbSNP rs1565972540, ClinGen allele CA387358474.